The following is an entry in ClinVar:

ClinVar aggregate classification (germline): Pathogenic (1 of 4 stars; one submission).

Conditions:
VPS13A-related neurodegenerative disease. Also called: ACANTHOCYTOSIS WITH NEUROLOGIC DISORDER; LEVINE-CRITCHLEY SYNDROME; Choreoacanthocytosis; Chorea-acanthocytosis; Choreaacanthocytosis; VPS13A Disease. Identifiers: Orphanet 2388, MedGen C0393576, MONDO:0008695, OMIM 200150.

Submission:

Myriad Genetics, Inc.
Classification: Pathogenic for VPS13A-related neurodegenerative disease. Last evaluated: 2024-05-14. Review status: criteria provided, single submitter. Criteria: Myriad Autosomal Dominant, Autosomal Recessive and X-Linked Classification Criteria (2023). Collection method: clinical testing. Allele origin: unknown.
Comment: NM_033305.2(VPS13A):c.1387_1388ins13(K463Tfs*10) is expected to be pathogenic in the context of VPS13A disease. This variant is predicted to lead to an abnormal or absent protein product due to the creation of a premature termination codon in VPS13A, a gene where loss-of-function variants are known to be pathogenic. Please note: this variant was assessed in the context of healthy population screening.

NM_033305.3(VPS13A):c.1387_1388insCTGTCTCTTATAC (p.Lys463fs)

Gene: VPS13A (vacuolar protein sorting 13 homolog A; plus strand). Cytogenetic location: 9q21.2.
Variant type: Insertion.
Coding change: c.1387_1388insCTGTCTCTTATAC on transcript NM_033305.3 (MANE Select); coding-DNA positions 1387 to 1388, CTGTCTCTTATAC inserted.
Protein change: p.Lys463fs; shifts the reading frame from lysine 463.
Molecular consequence: frameshift variant.
Genome position: GRCh38 VCF-style: chr9-77227420-A-ACTGTCTCTTATAC. GRCh37 (hg19) VCF-style: chr9-79842336-A-ACTGTCTCTTATAC.
Other names: c.1387_1388insCTGTCTCTTATAC, p.Lys463fs (NM_001018037.2, NM_001018038.3, NM_015186.4); short protein forms K463fs.
Identifiers: ClinVar variation 5010505 (VCV005010505.1).
Genomic context (GRCh38, chr9:77,227,420, plus strand): 5'-AGAACATAAAGCACTTCTTTCTGATTTGTAGCTCTTGAAGAAATGTTGACACCTGAAGAA[A>ACTGTCTCTTATAC]AAGCTTTACTCTATGAAGCAATTGGCTATAGTGAAACAGCAGTTGATCCAACTTTACTAA-3'